The following is an entry in ClinVar:

ClinVar aggregate classification (germline): Pathogenic (1 of 4 stars; one submission).

Conditions:
Hereditary cancer-predisposing syndrome. Also called: Tumor predisposition; Hereditary Cancer Syndrome; Hereditary neoplastic syndrome; Neoplastic Syndromes, Hereditary. Identifiers: Orphanet 140162, MedGen C0027672, MeSH D009386, MONDO:0015356.

Submission:

Molecular Diagnostics Laboratory, Catalan Institute of Oncology
Classification: Pathogenic for Hereditary cancer-predisposing syndrome. Last evaluated: 2025-05-23. Review status: criteria provided, single submitter. Criteria: ClinGen ACMG Specifications ATM V1.1.0. Collection method: clinical testing. Allele origin: germline. Inheritance: Autosomal dominant inheritance. Affected: yes.
Comment: c.342_343insAlu, located in exon 5 of the ATM gene, consists in the insertion of an Alu element of 282 nucleotides, causing a translational frameshift with a predicted alternate stop codon (p.(Leu115Glyfs*40)). This alteration is expected to result in loss of function by premature protein truncation and nonsense-mediated mRNA decay (PVS1 + PM5_supporting). It is not present in either of the population databases gnomAD v4.1.0 and gnomAD SVs v4.1.0 (PM2_supporting). The variant has not been reported in ClinVar or in LOVD databases. Based on the currently available information, c.342_343insAlu is classified as a likely pathogenic variant according to ClinGen Hereditary Breast, Ovarian and Pancreatic Cancer Expert Panel Specifications to the ACMG/AMP Variant Interpretation Guidelines for ATM v1.1.

NM_000051.4:c.342_343ins[PX241358.1:g.1_282]

Gene: ATM (ATM serine/threonine kinase; plus strand).
Variant type: Insertion.
Other names: c.342_343ins[PX241358.1:g.1_282] (NM_000051.4).
Identifiers: ClinVar variation 4533210 (VCV004533210.1).